The following is an entry in ClinVar:

ClinVar aggregate classification (germline): Pathogenic/Likely pathogenic. Review status: criteria provided, multiple submitters, no conflicts (2 of 4 stars). 3 submissions from 3 submitters: Pathogenic (2); Likely pathogenic (1). Last evaluated 2025-08-18.

Conditions:
Hematuria, benign familial, 2 (BFH2). Identifiers: MedGen C5830421, MONDO:0958186, OMIM 620320.
Alport syndrome 3b, autosomal recessive. Identifiers: MedGen C5882699, MONDO:0957811, OMIM 620536.
Autosomal dominant Alport syndrome (ATS3A). Also called: Alport syndrome dominant type; Renal failure and sensorineural hearing loss; ALPORT SYNDROME 3A, AUTOSOMAL DOMINANT. Identifiers: Orphanet 63, Orphanet 88918, MedGen C5882663, MONDO:0007086, OMIM 104200.
Alport syndrome. Also called: Hemorrhagic familial nephritis; Hemorrhagic hereditary nephritis; Congenital hereditary hematuria. Identifiers: Orphanet 63, MedGen C1567741, MONDO:0018965.

Submissions (3):

Myriad Genetics, Inc.
Classification: Pathogenic for Alport syndrome. Last evaluated: 2025-08-18. Review status: criteria provided, single submitter. Criteria: Myriad Autosomal Dominant, Autosomal Recessive and X-Linked Classification Criteria (2023). Collection method: clinical testing. Allele origin: unknown.
Comment: NM_000091.4(COL4A3):c.4825delC(R1609Efs*6) is a frameshift variant classified as pathogenic in the context of Alport syndrome, COL4A3-related. R1609Efs*6 has not been observed in cases with relevant disease. Relevant functional assessments of this variant are not available in the literature. R1609Efs*6 has not been observed in referenced population frequency databases. In summary, NM_000091.4(COL4A3):c.4825delC(R1609Efs*6) is a frameshift variant in a gene where loss of function is a known mechanism of disease and is predicted to disrupt protein function. Please note: this variant was assessed in the context of healthy population screening.

Fulgent Genetics
Classification: Likely pathogenic for Autosomal dominant Alport syndrome; Hematuria, benign familial, 2; Alport syndrome 3b, autosomal recessive. Last evaluated: 2024-06-17. Review status: criteria provided, single submitter. Criteria: ACMG Guidelines, 2015. Collection method: clinical testing. Allele origin: germline.

Labcorp Genetics (formerly Invitae), Labcorp
Classification: Pathogenic. Last evaluated: 2021-11-11. Review status: criteria provided, single submitter. Criteria: Invitae Variant Classification Sherloc (09022015). Collection method: clinical testing. Allele origin: germline.
Comment: This sequence change creates a premature translational stop signal (p.Arg1609Glufs*6) in the COL4A3 gene. It is expected to result in an absent or disrupted protein product. Loss-of-function variants in COL4A3 are known to be pathogenic (PMID: 8956999, 24854265, 26809805, 27281700). For these reasons, this variant has been classified as Pathogenic. This variant has not been reported in the literature in individuals affected with COL4A3-related conditions. This variant is not present in population databases (gnomAD no frequency).

Literature cited by the submitters: PubMed 8956999 (cited by Labcorp Genetics (formerly Invitae), Labcorp); PubMed 24854265 (cited by Labcorp Genetics (formerly Invitae), Labcorp); PubMed 26809805 (cited by Labcorp Genetics (formerly Invitae), Labcorp); PubMed 27281700 (cited by Labcorp Genetics (formerly Invitae), Labcorp).

NM_000091.5(COL4A3):c.4825del (p.Arg1609fs)

Genes: MFF-DT (MFF divergent transcript; minus strand), COL4A3 (collagen type IV alpha 3 chain; plus strand). Cytogenetic location: 2q36.3.
Variant type: Deletion.
Coding change: c.4825del on transcript NM_000091.5 (MANE Select); coding-DNA position 4825, one base deleted (C; older notation c.4825delC).
Protein change: p.Arg1609fs; shifts the reading frame from arginine 1609.
Molecular consequence: frameshift variant.
Genome position (GRCh38, 1-based): chr2:227,310,845, C deleted; the last of 2 consecutive C bases (chr2:227,310,844-227,310,845); deleting either gives the same sequence. VCF-style (leftmost placement, unchanged base first): chr2-227310843-TC-T. GRCh37 (hg19) VCF-style: chr2-228175559-TC-T.
Other names: short protein forms R1609fs.
Identifiers: ClinVar variation 1451415 (VCV001451415.8), dbSNP rs2073715263, ClinGen allele CA1332862678.
Genomic context (GRCh38, chr2:227,310,843, plus strand): 5'-GTGCAGGTTCTGAGGGCACCGGGCAAGCACTGGCCTCCCCTGGCTCCTGCCTGGAAGAAT[TC>T]CGAGCCAGCCCATTTCTAGAATGTCATGGAAGAGGAACGTGCAACTACTATTCAAATTCC-3'